The following is an entry in ClinVar:

ClinVar aggregate classification (germline): Likely benign. Review status: reviewed by expert panel (3 of 4 stars). 2 submissions from 2 submitters: Likely benign (1). 1 of the submissions does not count toward it. Last evaluated 2025-02-18.

Conditions:
Glanzmann thrombasthenia. Also called: PLATELET GLYCOPROTEIN IIb-IIIa DEFICIENCY; Thrombasthenia; Glanzmann's thrombasthenia; BLEEDING DISORDER, PLATELET-TYPE, 2; THROMBASTHENIA OF GLANZMANN AND NAEGELI. Identifiers: Orphanet 849, MedGen C0040015, MONDO:0100326.

gnomAD v4.1: 6 of 1,613,750 alleles (0.00037%); highest among the groups gnomAD compares: Middle Eastern, 0.016%; no homozygotes.

Submissions (2):

ClinGen Platelet Disorders Variant Curation Expert Panel, ClinGen
Classification: Likely benign for Glanzmann thrombasthenia. Last evaluated: 2025-02-18. Review status: reviewed by expert panel. Criteria: ClinGen Platelet ACMG Specifications v2-1. Collection method: curation. Allele origin: germline. Inheritance: Autosomal recessive inheritance.
Comment: The variant NM_000419.5(ITGA2B):c.945+10A>G has not been reported in the literature. It has previously been submitted to ClinVar (SCV000403381.3) however the affected status of the individual is unkown. The variant is absent from gnomAD (PM2_supporting). Meanwhile, the in silico predictor splice AI predics no impact on splicing and the variant occurs at a nucleotide position that is not highly conserved (BP4, BP7). In summary, this variant meets the criteria to be classified as Likely Benign for autosomal recessive Glanzmann Thrombasthenia based on the ACMG/AMP criteria applied, as specified by the ClinGen PD VCEP: PM2_supporting, BP4, and BP7 (PD VCEP specifications version 2.1).

Illumina Laboratory Services, Illumina
Classification: Uncertain significance for Glanzmann thrombasthenia 1. Last evaluated: 2018-01-13. Review status: criteria provided, single submitter. Criteria: ICSL Variant Classification Criteria 13 December 2019. Collection method: clinical testing. Allele origin: germline. Not counted in ClinVar's aggregate classification.

NM_000419.5(ITGA2B):c.945+10A>G

Gene: ITGA2B (integrin subunit alpha 2b; minus strand). Cytogenetic location: 17q21.31.
Variant type: single nucleotide variant.
Coding change: c.945+10A>G on transcript NM_000419.5 (MANE Select); 10 bases into the intron after coding-DNA position 945, A replaced by G.
Molecular consequence: intron variant.
Genome position (GRCh38, 1-based): chr17:44,384,075, T>C on the plus strand (A>G on the coding strand, the complement: ITGA2B is on the minus strand). VCF-style: chr17-44384075-T-C. GRCh37 (hg19) VCF-style: chr17-42461443-T-C.
Other names: c.945+10A>G (LRG_479t1).
Identifiers: ClinVar variation 323560 (VCV000323560.6), dbSNP rs886053008, ClinGen allele CA10649408.